The following is an entry in ClinVar:

ClinVar aggregate classification (germline): Uncertain significance (1 of 4 stars; one submission).

Conditions:
Autism (AUTS). Also called: Autistic disorder; Autistic disorder of childhood onset. Identifiers: MedGen C0004352, MeSH D001321, MONDO:0005260, OMIM 209850, HP:0000717.

Submission:

Geisinger Autism and Developmental Medicine Institute, Geisinger Health System
Classification: Uncertain significance for Autism. Last evaluated: 2018-03-30. Review status: criteria provided, single submitter. Criteria: ACMG CNV Guidelines, 2011. Collection method: provider interpretation. Allele origin: unknown.
Comment: Parental testing was not completed. This deletion includes a portion of CNTN4 and is within the larger distal 3p deletion syndrome region. CNTN4 is a candidate gene for autism spectrum disorders. The clinical significance of this deletion remains unclear at this time.

Literature cited by the submitters: PubMed 18349135; PubMed 18551756.

Single allele

Genes: CNTN4 (contactin 4; plus strand), LOC107522028 (meiotic recombination hotspot T; plus strand), LOC129936036 (ATAC-STARR-seq lymphoblastoid active region 19334; plus strand), LOC129936037 (ATAC-STARR-seq lymphoblastoid active region 19335; plus strand), LOC129936038 (ATAC-STARR-seq lymphoblastoid active region 19336; plus strand) and 1 more. Cytogenetic location: 3p26.3.
Variant type: Deletion.
Identifiers: ClinVar variation 560133 (VCV000560133.3).